The following is an entry in ClinVar:

NM_005902.4(SMAD3):c.-11C>G

Genes: SMAD3 (SMAD family member 3; plus strand), LOC130057352 (ATAC-STARR-seq lymphoblastoid silent region 6574; plus strand). Cytogenetic location: 15q22.33.
Variant type: single nucleotide variant.
Coding change: c.-11C>G on transcript NM_005902.4 (MANE Select); 11 bases upstream of the start codon, C replaced by G.
Molecular consequence: 5 prime UTR variant.
Genome position (GRCh38, 1-based): chr15:67,066,144, C>G. VCF-style: chr15-67066144-C-G. GRCh37 (hg19) VCF-style: chr15-67358482-C-G.
Other names: c.-11C>G (NM_001407011.1, NM_001407012.1, NM_001407013.1).
Identifiers: ClinVar variation 3386003 (VCV003386003.1).

ClinVar aggregate classification (germline): Uncertain significance (1 of 4 stars; one submission).

Conditions:
Aneurysm-osteoarthritis syndrome. Also called: LOEYS-DIETZ SYNDROME WITH OSTEOARTHRITIS; SMAD3-Related Loeys-Dietz Syndrome; ANEURYSMS-OSTEOARTHRITIS SYNDROME; Loeys-Dietz syndrome, type 1C. Identifiers: Orphanet 284984, MedGen C3151087, MONDO:0013426, OMIM 613795.

Submission:

All of Us Research Program, National Institutes of Health
Classification: Uncertain significance for Aneurysm-osteoarthritis syndrome. Last evaluated: 2024-05-14. Review status: criteria provided, single submitter. Criteria: ACMG Guidelines, 2015. Collection method: clinical testing. Allele origin: germline. Inheritance: Autosomal dominant inheritance. Observed: 1 variant allele, 1 heterozygote.
Comment: This variant is located in the 5' untranslated region of the SMAD3 gene. To our knowledge, functional studies have not been reported for this variant. This variant has not been reported in individuals affected with SMAD3-related disorders in the literature. This variant has not been identified in the general population by the Genome Aggregation Database (gnomAD). The available evidence is insufficient to determine the role of this variant in disease conclusively. Therefore, this variant is classified as a Variant of Uncertain Significance.

This study involves interpretation of variants in research participants for the purpose of population health screening. Participant phenotype was not available at the time of variant classification. Additional details can be found in publication PMID: 35346344, PMCID: PMC8962531